The following is an entry in ClinVar:

NM_031407.7(HUWE1):c.11115C>G (p.Leu3705=)

Gene: HUWE1 (HECT, UBA and WWE domain containing E3 ubiquitin protein ligase 1; minus strand). Cytogenetic location: Xp11.22.
Variant type: single nucleotide variant.
Coding change: c.11115C>G on transcript NM_031407.7 (MANE Select); coding-DNA position 11115, C replaced by G.
Protein change: p.Leu3705=; no amino-acid change (leucine 3705 retained).
Molecular consequence: synonymous variant.
Genome position (GRCh38, 1-based): chrX:53,544,696, G>C on the plus strand (C>G on the coding strand, the complement: HUWE1 is on the minus strand). VCF-style: chrX-53544696-G-C. GRCh37 (hg19) VCF-style: chrX-53571657-G-C.
Other names: c.11112C>G, p.Leu3704= (NM_001441048.1, NM_001441051.1, NM_001441053.1 and 2 more transcripts); c.11115C>G, p.Leu3705= (NM_001441049.1, NM_001441054.1, NM_001441057.1); c.11136C>G, p.Leu3712= (NM_001441050.1, NM_001441055.1); c.10713C>G, p.Leu3571= (NM_001441052.1).
Identifiers: ClinVar variation 4874425 (VCV004874425.2).

ClinVar aggregate classification (germline): Likely benign (1 of 4 stars; one submission).

Submission:

CeGaT Center for Human Genetics Tuebingen
Classification: Likely benign. Last evaluated: 2026-02-01. Review status: criteria provided, single submitter. Criteria: CeGaT Center For Human Genetics Tuebingen Variant Classification Criteria Version 2. Collection method: clinical testing. Allele origin: germline. Affected: yes. Observed: 1 variant allele.
Comment: HUWE1: PM2:Supporting, BP4, BP7